The following is an entry in ClinVar:

ClinVar aggregate classification (germline): Pathogenic (1 of 4 stars; one submission).

Conditions:
Familial thoracic aortic aneurysm and aortic dissection (TAAD). Also called: Thoracic aortic aneurysms and dissections. Identifiers: Orphanet 91387, MedGen C4707243, MONDO:0019625.

Submission:

Ambry Genetics
Classification: Pathogenic for Familial thoracic aortic aneurysm and aortic dissection. Last evaluated: 2015-04-20. Review status: criteria provided, single submitter. Criteria: Ambry Variant Classification Scheme 2023. Collection method: clinical testing. Allele origin: germline.
Comment: The p.C1942S pathogenic mutation (also known as c.5825G>C), located in coding exon 47 of the FBN1 gene, results from a G to C substitution at nucleotide position 5825. The cysteine at codon 1942 is replaced by serine, an amino acid with dissimilar properties, and is located in the cb EGF-like #29 domain. The majority of FBN1 mutations identified to date have involved the substitution or generation of cysteine residues within cbEGF domains (Vollbrandt T et al. J Biol Chem. 2004;279(31):32924-32931). This alteration has been determined to be the result of a de novo mutation or germline mosaicism in one family with Marfan syndrome. Based on the supporting evidence, p.C1942S is interpreted as a disease-causing mutation.

NM_000138.5(FBN1):c.5825G>C (p.Cys1942Ser)

Gene: FBN1 (fibrillin 1; minus strand). Cytogenetic location: 15q21.1.
Variant type: single nucleotide variant.
Coding change: c.5825G>C on transcript NM_000138.5 (MANE Select); coding-DNA position 5825, G replaced by C.
Protein change: p.Cys1942Ser; replaces cysteine 1942 with serine.
Molecular consequence: missense variant.
Genome position (GRCh38, 1-based): chr15:48,445,468, C>G on the plus strand (G>C on the coding strand, the complement: FBN1 is on the minus strand). VCF-style: chr15-48445468-C-G. GRCh37 (hg19) VCF-style: chr15-48737665-C-G.
Other names: short protein forms C1942S.
Identifiers: ClinVar variation 263804 (VCV000263804.5), dbSNP rs794728241, ClinGen allele CA10587808.